The following is an entry in ClinVar:

NM_004815.4(ARHGAP29):c.1244G>A (p.Arg415Gln)

Gene: ARHGAP29 (Rho GTPase activating protein 29; minus strand). Cytogenetic location: 1p22.1.
Variant type: single nucleotide variant.
Coding change: c.1244G>A on transcript NM_004815.4 (MANE Select); coding-DNA position 1244, G replaced by A.
Protein change: p.Arg415Gln; replaces arginine 415 with glutamine.
Molecular consequence: missense variant.
Genome position (GRCh38, 1-based): chr1:94,201,757, C>T on the plus strand (G>A on the coding strand, the complement: ARHGAP29 is on the minus strand). VCF-style: chr1-94201757-C-T. GRCh37 (hg19) VCF-style: chr1-94667313-C-T.
Other names: c.1244G>A, p.Arg415Gln (NM_001328664.2, NM_001328666.2); c.1052G>A, p.Arg351Gln (NM_001328665.2, NM_001328667.2); short protein forms R351Q, R415Q.
Identifiers: ClinVar variation 3348355 (VCV003348355.1).

ClinVar aggregate classification (germline): Uncertain significance (0 of 4 stars; one submission).

Conditions:
ARHGAP29-related disorder. Also called: ARHGAP29-Related Disorders; ARHGAP29-related condition.

gnomAD v4.1: 26 of 1,613,748 alleles (0.0016%); highest among the groups gnomAD compares: South Asian, 0.0055%; no homozygotes.

Submission:

PreventionGenetics, part of Exact Sciences
Classification: Uncertain significance for ARHGAP29-related condition. Last evaluated: 2024-04-09. Review status: no assertion criteria provided. Collection method: clinical testing. Allele origin: germline.
Comment: The ARHGAP29 c.1244G>A variant is predicted to result in the amino acid substitution p.Arg415Gln. To our knowledge, this variant has not been reported in the literature. This variant is reported in 0.0033% of alleles in individuals of South Asian descent in gnomAD. At this time, the clinical significance of this variant is uncertain due to the absence of conclusive functional and genetic evidence.